The following is an entry in ClinVar:

ClinVar aggregate classification (germline): Uncertain significance (1 of 4 stars; one submission).

Submission:

Labcorp Genetics (formerly Invitae), Labcorp
Classification: Uncertain significance. Last evaluated: 2024-09-10. Review status: criteria provided, single submitter. Criteria: Invitae Variant Classification Sherloc (09022015). Collection method: clinical testing. Allele origin: germline.
Comment: This sequence change replaces serine, which is neutral and polar, with glycine, which is neutral and non-polar, at codon 324 of the USH1G protein (p.Ser324Gly). This variant is not present in population databases (gnomAD no frequency). This variant has not been reported in the literature in individuals affected with USH1G-related conditions. Invitae Evidence Modeling of protein sequence and biophysical properties (such as structural, functional, and spatial information, amino acid conservation, physicochemical variation, residue mobility, and thermodynamic stability) indicates that this missense variant is not expected to disrupt USH1G protein function with a negative predictive value of 80%. In summary, the available evidence is currently insufficient to determine the role of this variant in disease. Therefore, it has been classified as a Variant of Uncertain Significance.

NM_173477.5(USH1G):c.970A>G (p.Ser324Gly)

Gene: USH1G (USH1 protein network component sans; minus strand). Cytogenetic location: 17q25.1.
Variant type: single nucleotide variant.
Coding change: c.970A>G on transcript NM_173477.5 (MANE Select); coding-DNA position 970, A replaced by G.
Protein change: p.Ser324Gly; replaces serine 324 with glycine.
Molecular consequence: missense variant.
Genome position (GRCh38, 1-based): chr17:74,919,866, T>C on the plus strand (A>G on the coding strand, the complement: USH1G is on the minus strand). VCF-style: chr17-74919866-T-C. GRCh37 (hg19) VCF-style: chr17-72915961-T-C.
Other names: c.661A>G, p.Ser221Gly (NM_001282489.3); short protein forms S324G, S221G.
Identifiers: ClinVar variation 3666725 (VCV003666725.2).